The following is an entry in ClinVar:

NM_004667.6(HERC2):c.7312G>T (p.Val2438Phe)

Gene: HERC2 (HECT and RLD domain containing E3 ubiquitin protein ligase 2; minus strand). Cytogenetic location: 15q13.1.
Variant type: single nucleotide variant.
Coding change: c.7312G>T on transcript NM_004667.6 (MANE Select); coding-DNA position 7312, G replaced by T.
Protein change: p.Val2438Phe; replaces valine 2438 with phenylalanine.
Molecular consequence: missense variant.
Genome position (GRCh38, 1-based): chr15:28,202,515, C>A on the plus strand (G>T on the coding strand, the complement: HERC2 is on the minus strand). VCF-style: chr15-28202515-C-A. GRCh37 (hg19) VCF-style: chr15-28447661-C-A.
Other names: c.7312G>T (NM_004667.5); short protein forms V2438F.
Identifiers: ClinVar variation 3105400 (VCV003105400.2), dbSNP rs574644982, ClinGen allele CA7441854.

ClinVar aggregate classification (germline): Uncertain significance. Review status: criteria provided, multiple submitters, no conflicts (2 of 4 stars). 2 submissions from 2 submitters: Uncertain significance (2). Last evaluated 2023-10-17.

Conditions:
Inborn genetic diseases. Identifiers: MedGen C0950123, MeSH D030342.
Developmental delay with autism spectrum disorder and gait instability (MRT38). Also called: Intellectual developmental disorder, autosomal recessive 38. Identifiers: Orphanet 329195, MedGen C3809753, MONDO:0014224, OMIM 615516.

Allele frequency attached by ClinVar (database versions not stated): gnomAD 0.00002; gnomAD exomes 0.00002; ExAC 0.00016; 1000 Genomes Project 0.00020; 1000 Genomes Project 30x 0.00031.
gnomAD v4.1: 28 of 1,231,474 alleles (0.0023%); highest among the groups gnomAD compares: Non-Finnish European, 0.0032%; no homozygotes.

Submissions (2):

Ambry Genetics
Classification: Uncertain significance for Inborn genetic diseases. Last evaluated: 2023-10-17. Review status: criteria provided, single submitter. Criteria: Ambry Variant Classification Scheme 2023. Collection method: clinical testing. Allele origin: germline.

Victorian Clinical Genetics Services, Murdoch Childrens Research Institute
Classification: Uncertain significance for Developmental delay with autism spectrum disorder and gait instability. Last evaluated: 2023-07-16. Review status: criteria provided, single submitter. Criteria: ACMG Guidelines, 2015. Collection method: clinical testing. Allele origin: germline. Inheritance: Autosomal recessive inheritance. Affected: yes.
Comment: Based on the classification scheme VCGS_Germline_v1.3.4, this variant is classified as VUS-3C. Following criteria are met: 0102 - Loss of function is a known mechanism of disease in this gene and is associated with intellectual developmental disorder, autosomal recessive 38 (MIM#615516). (I) 0106 - This gene is associated with autosomal recessive disease. (I) 0200 - Variant is predicted to result in a missense amino acid change from valine to phenylalanine. (I) 0251 - This variant is heterozygous. (I) 0304 - Variant is present in gnomAD (v2) <0.01 for a recessive condition (5 heterozygotes, 0 homozygotes). (SP) 0503 - Missense variant consistently predicted to be tolerated by multiple in silico tools or not conserved in placental mammals with a minor amino acid change. (SB) 0604 - Variant is not located in an established domain, motif, hotspot or informative constraint region. (I) 0705 - No comparable missense variants have previous evidence for pathogenicity. (I) 0807 - This variant has no previous evidence of pathogenicity. (I) 0905 - No published segregation evidence has been identified for this variant. (I) 1007 - No published functional evidence has been identified for this variant. (I) Legend: (SP) - Supporting pathogenic, (I) - Information, (SB) - Supporting benign